The following is an entry in ClinVar:

ClinVar aggregate classification (germline): Likely benign (1 of 4 stars; one submission).

Submission:

CeGaT Center for Human Genetics Tuebingen
Classification: Likely benign. Last evaluated: 2023-03-01. Review status: criteria provided, single submitter. Criteria: CeGaT Center For Human Genetics Tuebingen Variant Classification Criteria Version 2. Collection method: clinical testing. Allele origin: germline. Affected: yes. Observed: 1 variant allele.
Comment: PNMA6F: BS2

NM_001354980.2(PNMA6F):c.479CAGCAGGTGAGGCAGGAG[2] (p.160AAGEAG[2])

Gene: PNMA6F (PNMA family member 6F; minus strand). Cytogenetic location: Xq28.
Variant type: Microsatellite.
Coding change: c.479CAGCAGGTGAGGCAGGAG[2] on transcript NM_001354980.2 (MANE Select); two copies in a row of the 18-base unit CAGCAGGTGAGGCAGGAG starting at c.479; the reference has three copies in a row; one copy, 18 bases deleted.
Protein change: p.160AAGEAG[2].
Molecular consequence: inframe deletion.
Genome position (GRCh38, 1-based): chrX:153,320,143-153,320,160, CTCCTGCCTCACCTGCTG deleted on the plus strand (CAGCAGGTGAGGCAGGAG on the coding strand, the reverse complement: PNMA6F is on the minus strand); deleting any 18 consecutive bases within chrX:153,320,143-153,320,210 gives the same sequence; the position shown is the placement nearest the transcript's 3' end. VCF-style (leftmost placement, unchanged base first): chrX-153320142-CCTCCTGCCTCACCTGCTG-C. GRCh37 (hg19) VCF-style: chrX-152585600-CCTCCTGCCTCACCTGCTG-C.
Identifiers: ClinVar variation 2661678 (VCV002661678.24), ClinGen allele CA519319542.